The following is an entry in ClinVar:

NM_002335.4(LRP5):c.35T>A (p.Leu12Gln)

Gene: LRP5 (LDL receptor related protein 5; plus strand). Cytogenetic location: 11q13.2.
Variant type: single nucleotide variant.
Coding change: c.35T>A on transcript NM_002335.4 (MANE Select); coding-DNA position 35, T replaced by A.
Protein change: p.Leu12Gln; replaces leucine 12 with glutamine.
Molecular consequence: missense variant. On other transcripts: 5 prime UTR variant (1).
Genome position (GRCh38, 1-based): chr11:68,312,749, T>A. VCF-style: chr11-68312749-T-A. GRCh37 (hg19) VCF-style: chr11-68080217-T-A.
Other names: c.35T>A (NM_002335.2, NM_002335.3); c.-1731T>A (NM_001291902.2); short protein forms L12Q.
Identifiers: ClinVar variation 1477838 (VCV001477838.13), dbSNP rs1019409513, ClinGen allele CA381607383.

ClinVar aggregate classification (germline): Uncertain significance. Review status: criteria provided, multiple submitters, no conflicts (2 of 4 stars). 5 submissions from 5 submitters: Uncertain significance (5). Last evaluated 2026-04-21.

Conditions:
Polycystic liver disease 4 with or without kidney cysts. Identifiers: MedGen C4693479, MONDO:0044327, OMIM 617875.
Exudative vitreoretinopathy 4 (EVR4). Identifiers: Orphanet 891, MedGen C1866176, MONDO:0011151, OMIM 601813.
Osteoporosis with pseudoglioma (OPPG). Also called: osteoporosis-pseudoglioma syndrome. Identifiers: Orphanet 2788, MedGen C0432252, MONDO:0009820, OMIM 259770.
Worth disease. Also called: Autosomal dominant osteosclerosis, Worth type; OSTEOSCLEROSIS, AUTOSOMAL DOMINANT; ENDOSTEAL HYPEROSTOSIS, AUTOSOMAL DOMINANT. Identifiers: Orphanet 2790, MedGen C0432273, MONDO:0007764, OMIM 144750.
Bone mineral density quantitative trait locus 1 (BMND1). Identifiers: MedGen C1866079, OMIM 601884.
Autosomal dominant osteopetrosis 1 (OPTA1). Also called: OSTEOPETROSIS, AUTOSOMAL DOMINANT, TYPE I. Identifiers: Orphanet 2783, MedGen C1843330, MONDO:0011877, OMIM 607634.
Inborn genetic diseases. Identifiers: MedGen C0950123, MeSH D030342.
LRP5-related disorder. Also called: LRP5-related condition.

gnomAD v4.1: 37 of 758,636 alleles (0.0049%); highest among the groups gnomAD compares: Admixed American, 0.026%; no homozygotes.

Submissions (5):

PreventionGenetics, part of Exact Sciences
Classification: Uncertain significance for LRP5-related condition. Last evaluated: 2026-04-21. Review status: criteria provided, single submitter. Criteria: ACMG Guidelines, 2015. Collection method: clinical testing. Allele origin: germline.
Comment: The LRP5 c.35T>A variant is predicted to result in the amino acid substitution p.Leu12Gln. To our knowledge, this variant has not been reported in the literature. This variant is reported in 0.015% of alleles in individuals of European (Non-Finnish) descent in gnomAD. At this time, the clinical significance of this variant is uncertain due to the absence of conclusive functional and genetic evidence.

Ambry Genetics
Classification: Uncertain significance for Inborn genetic diseases. Last evaluated: 2025-08-09. Review status: criteria provided, single submitter. Criteria: Ambry Variant Classification Scheme 2023. Collection method: clinical testing. Allele origin: germline.

Labcorp Genetics (formerly Invitae), Labcorp
Classification: Uncertain significance. Last evaluated: 2025-07-15. Review status: criteria provided, single submitter. Criteria: Invitae Variant Classification Sherloc (09022015). Collection method: clinical testing. Allele origin: germline.
Comment: This sequence change replaces leucine, which is neutral and non-polar, with glutamine, which is neutral and polar, at codon 12 of the LRP5 protein (p.Leu12Gln). The frequency data for this variant in the population databases is considered unreliable, as metrics indicate poor data quality at this position in the gnomAD database. This variant has not been reported in the literature in individuals affected with LRP5-related conditions. ClinVar contains an entry for this variant (Variation ID: 1477838). Invitae Evidence Modeling of protein sequence and biophysical properties (such as structural, functional, and spatial information, amino acid conservation, physicochemical variation, residue mobility, and thermodynamic stability) indicates that this missense variant is not expected to disrupt LRP5 protein function with a negative predictive value of 95%. In summary, the available evidence is currently insufficient to determine the role of this variant in disease. Therefore, it has been classified as a Variant of Uncertain Significance.

Fulgent Genetics
Classification: Uncertain significance for Worth disease; Osteoporosis with pseudoglioma; Exudative vitreoretinopathy 4; Bone mineral density quantitative trait locus 1; Autosomal dominant osteopetrosis 1; Polycystic liver disease 4 with or without kidney cysts. Last evaluated: 2024-03-26. Review status: criteria provided, single submitter. Criteria: ACMG Guidelines, 2015. Collection method: clinical testing. Allele origin: germline.

Women's Health and Genetics/Laboratory Corporation of America, LabCorp
Classification: Uncertain significance. Last evaluated: 2024-01-19. Review status: criteria provided, single submitter. Criteria: LabCorp Variant Classification Summary - May 2015. Collection method: clinical testing. Allele origin: germline.
Comment: Variant summary: LRP5 c.35T>A (p.Leu12Gln) results in a non-conservative amino acid change in the encoded protein sequence. Four of five in-silico tools predict a benign effect of the variant on protein function. The variant allele was found at a frequency of 5.3e-05 in 18700 control chromosomes. The available data on variant occurrences in the general population are insufficient to allow any conclusion about variant significance. To our knowledge, no occurrence of c.35T>A in individuals affected with Familial Exudative Vitreoretinopathy and no experimental evidence demonstrating its impact on protein function have been reported. ClinVar contains an entry for this variant (Variation ID: 1477838). Based on the evidence outlined above, the variant was classified as uncertain significance.